The following is an entry in ClinVar:

ClinVar aggregate classification (germline): Uncertain significance (1 of 4 stars; one submission).

Submission:

Labcorp Genetics (formerly Invitae), Labcorp
Classification: Uncertain significance. Last evaluated: 2023-09-12. Review status: criteria provided, single submitter. Criteria: Invitae Variant Classification Sherloc (09022015). Collection method: clinical testing. Allele origin: unknown.
Comment: A copy number gain of the genomic region encompassing the full coding sequence of the TNNI3K gene has been identified. The boundaries of this event are unknown as they extend beyond the assayed region for this gene and therefore may encompass additional genes. As the precise location of this event is unknown, it may be in tandem or it may be located elsewhere in the genome. This variant has not been reported in the literature in individuals affected with TNNI3K-related conditions. In summary, the available evidence is currently insufficient to determine the role of this variant in disease. Therefore, it has been classified as a Variant of Uncertain Significance.

NC_000001.10:g.(?_74701136)_(75009666_?)dup

Genes: FPGT-TNNI3K (FPGT-TNNI3K readthrough; plus strand), TNNI3K (TNNI3 interacting kinase; plus strand). Cytogenetic location: 1p31.1.
Variant type: Duplication.
Identifiers: ClinVar variation 3247998 (VCV003247998.1).